The following is an entry in ClinVar:

ClinVar aggregate classification (germline): Uncertain significance. Review status: criteria provided, multiple submitters, no conflicts (2 of 4 stars). 3 submissions from 3 submitters: Uncertain significance (2). 1 of the submissions does not count toward it. Last evaluated 2025-01-27.

Conditions:
RYR1-related disorder. Also called: RYR1-related condition; RYR1-related disorders. Identifiers: MedGen CN239331.

gnomAD v4.1: 12 of 1,502,730 alleles (0.0008%); highest among the groups gnomAD compares: Non-Finnish European, 0.00097%; no homozygotes.

Submissions (3):

Labcorp Genetics (formerly Invitae), Labcorp
Classification: Uncertain significance for RYR1-related disorder. Last evaluated: 2025-01-27. Review status: criteria provided, single submitter. Criteria: Invitae Variant Classification Sherloc (09022015). Collection method: clinical testing. Allele origin: germline.
Comment: This sequence change replaces proline, which is neutral and non-polar, with leucine, which is neutral and non-polar, at codon 4399 of the RYR1 protein (p.Pro4399Leu). The frequency data for this variant in the population databases is considered unreliable, as metrics indicate poor data quality at this position in the gnomAD database. This variant has not been reported in the literature in individuals affected with RYR1-related conditions. ClinVar contains an entry for this variant (Variation ID: 3030362). Invitae Evidence Modeling of protein sequence and biophysical properties (such as structural, functional, and spatial information, amino acid conservation, physicochemical variation, residue mobility, and thermodynamic stability) indicates that this missense variant is not expected to disrupt RYR1 protein function with a negative predictive value of 95%. In summary, the available evidence is currently insufficient to determine the role of this variant in disease. Therefore, it has been classified as a Variant of Uncertain Significance.

GeneDx
Classification: Uncertain significance. Last evaluated: 2025-01-14. Review status: criteria provided, single submitter. Criteria: GeneDx Variant Classification Process June 2021. Collection method: clinical testing. Allele origin: germline. Affected: yes.
Comment: Not observed at significant frequency in large population cohorts (gnomAD); In silico analysis indicates that this missense variant does not alter protein structure/function; Has not been previously published as pathogenic or benign to our knowledge

PreventionGenetics, part of Exact Sciences
Classification: Uncertain significance for RYR1-related condition. Last evaluated: 2024-02-16. Review status: no assertion criteria provided. Collection method: clinical testing. Allele origin: germline. Not counted in ClinVar's aggregate classification.
Comment: The RYR1 c.13196C>T variant is predicted to result in the amino acid substitution p.Pro4399Leu. To our knowledge, this variant has not been reported in the literature. This variant is reported in 0.0027% of alleles in individuals of European (non-Finnish) descent in gnomAD. At this time, the clinical significance of this variant is uncertain due to the absence of conclusive functional and genetic evidence.

NM_000540.3(RYR1):c.13196C>T (p.Pro4399Leu)

Gene: RYR1 (ryanodine receptor 1; plus strand). Cytogenetic location: 19q13.2.
Variant type: single nucleotide variant.
Coding change: c.13196C>T on transcript NM_000540.3 (MANE Select); coding-DNA position 13196, C replaced by T.
Protein change: p.Pro4399Leu; replaces proline 4399 with leucine.
Molecular consequence: missense variant.
Genome position (GRCh38, 1-based): chr19:38,565,530, C>T. VCF-style: chr19-38565530-C-T. GRCh37 (hg19) VCF-style: chr19-39056170-C-T.
Other names: c.13181C>T, p.Pro4394Leu (NM_001042723.2); short protein forms P4394L, P4399L.
Identifiers: ClinVar variation 3030362 (VCV003030362.4), dbSNP rs1196338124, ClinGen allele CA405674226.